The following is an entry in ClinVar:

ClinVar aggregate classification (germline): Uncertain significance (1 of 4 stars; one submission).

Conditions:
Inborn genetic diseases. Identifiers: MedGen C0950123, MeSH D030342.

Submission:

Ambry Genetics
Classification: Uncertain significance for Inborn genetic diseases. Last evaluated: 2024-08-02. Review status: criteria provided, single submitter. Criteria: Ambry Variant Classification Scheme 2023. Collection method: clinical testing. Allele origin: germline.
Comment: The c.5381_5383dupATC (p.H1794dup) alteration is located in exon 27 (coding exon 25) of the KMT2E gene. The alteration consists of an in-frame duplication of 3 nucleotides from position 5381 to 5383, resulting in the duplication of 1 residue. Based on insufficient or conflicting evidence, the clinical significance of this alteration remains unclear.

NM_182931.3(KMT2E):c.5381_5383dup (p.His1794_Leu1795insHis)

Gene: KMT2E (lysine methyltransferase 2E (inactive); plus strand). Cytogenetic location: 7q22.3.
Variant type: Duplication.
Coding change: c.5381_5383dup on transcript NM_182931.3 (MANE Select); coding-DNA positions 5381 to 5383, 3 bases duplicated (ATC; older notation c.5381_5383dupATC).
Protein change: p.His1794_Leu1795insHis.
Genome position (GRCh38, 1-based): chr7:105,113,137-105,113,139, ATC duplicated; duplicating any 3 consecutive bases within chr7:105,113,135-105,113,139 gives the same sequence; the c. name uses the placement nearest the transcript's 3' end. VCF-style (leftmost placement, unchanged base first): chr7-105113134-C-CTCA. GRCh37 (hg19) VCF-style: chr7-104753581-C-CTCA.
Other names: c.5255_5257dup, p.His1752_Leu1753insHis (NM_001410908.1); c.5381_5383dup, p.His1794_Leu1795insHis (NM_018682.4).
Identifiers: ClinVar variation 3535555 (VCV003535555.1).
Genomic context (GRCh38, chr7:105,113,134, plus strand): 5'-CGGGACCCCAGCACCAGCCTTCTGGAACAGGGCCACATTGTCCATTACCTGTCACAGGTC[C>CTCA]TCATCTCCAGCCCCAAGGACCAAACAGTATTCCAACACCTACTGCTTCAGGGTTCTGTCC-3'